The following is an entry in ClinVar:

NM_002294.3(LAMP2):c.676A>G (p.Asn226Asp)

Gene: LAMP2 (lysosome associated membrane protein 2; minus strand). Cytogenetic location: Xq24.
Variant type: single nucleotide variant.
Coding change: c.676A>G on transcript NM_002294.3 (MANE Select); coding-DNA position 676, A replaced by G.
Protein change: p.Asn226Asp; replaces asparagine 226 with aspartic acid.
Molecular consequence: missense variant.
Genome position (GRCh38, 1-based): chrX:120,447,906, T>C on the plus strand (A>G on the coding strand, the complement: LAMP2 is on the minus strand). VCF-style: chrX-120447906-T-C. GRCh37 (hg19) VCF-style: chrX-119581761-T-C.
Other names: c.676A>G, p.Asn226Asp (NM_001122606.1, NM_013995.2); short protein forms N226D.
Identifiers: ClinVar variation 1720757 (VCV001720757.8), dbSNP rs775997773, ClinGen allele CA10505275.

ClinVar aggregate classification (germline): Conflicting classifications of pathogenicity. Review status: criteria provided, conflicting classifications (1 of 4 stars). 2 submissions from 2 submitters: Uncertain significance (1); Likely benign (1). Last evaluated 2026-07-07.

Conditions:
Cardiovascular phenotype. Identifiers: MedGen CN230736.
Danon disease. Also called: ANTOPOL DISEASE; PSEUDOGLYCOGENOSIS II; GSD IIb; LYSOSOMAL GLYCOGEN STORAGE DISEASE WITHOUT ACID MALTASE DEFICIENCY; Glycogen Storage Disease Type IIb. Identifiers: Orphanet 34587, MedGen C0878677, MONDO:0010281, OMIM 300257.

Allele frequency attached by ClinVar (database versions not stated): ExAC 0.00001; gnomAD 0.00001; TOPMed 0.00001.
gnomAD v4.1: 1 of 1,209,243 alleles (0.000083%); highest among the groups gnomAD compares: African/African-American, 0.0017%; no homozygotes.

Submissions (2):

Ambry Genetics
Classification: Likely benign for Cardiovascular phenotype. Last evaluated: 2026-07-07. Review status: criteria provided, single submitter. Criteria: Ambry Variant Classification Scheme 2023. Collection method: clinical testing. Allele origin: germline.

Labcorp Genetics (formerly Invitae), Labcorp
Classification: Uncertain significance for Danon disease. Last evaluated: 2022-10-01. Review status: criteria provided, single submitter. Criteria: Invitae Variant Classification Sherloc (09022015). Collection method: clinical testing. Allele origin: germline.
Comment: In summary, the available evidence is currently insufficient to determine the role of this variant in disease. Therefore, it has been classified as a Variant of Uncertain Significance. Advanced modeling of protein sequence and biophysical properties (such as structural, functional, and spatial information, amino acid conservation, physicochemical variation, residue mobility, and thermodynamic stability) performed at Invitae indicates that this missense variant is not expected to disrupt LAMP2 protein function. This variant has not been reported in the literature in individuals affected with LAMP2-related conditions. This variant is present in population databases (rs775997773, gnomAD 0.008%). This sequence change replaces asparagine, which is neutral and polar, with aspartic acid, which is acidic and polar, at codon 226 of the LAMP2 protein (p.Asn226Asp).